The following is an entry in ClinVar:

ClinVar aggregate classification (germline): Uncertain significance (1 of 4 stars; one submission).

Conditions:
Inborn genetic diseases. Identifiers: MedGen C0950123, MeSH D030342.

Submission:

Ambry Genetics
Classification: Uncertain significance for Inborn genetic diseases. Last evaluated: 2026-08-20. Review status: criteria provided, single submitter. Criteria: Ambry Variant Classification Scheme 2023. Collection method: clinical testing. Allele origin: germline.
Comment: The p.H675N variant (also known as c.2023C>A), located in coding exon 12 of the RECQL4 gene, results from a C to A substitution at nucleotide position 2023. The histidine at codon 675 is replaced by asparagine, an amino acid with similar properties. This amino acid position is conserved. In addition, this alteration is predicted to be tolerated by in silico analysis. Based on the available evidence, the clinical significance of this variant remains unclear.

NM_004260.4(RECQL4):c.2023C>A (p.His675Asn)

Gene: RECQL4 (RecQ like helicase 4; minus strand). Cytogenetic location: 8q24.3.
Variant type: single nucleotide variant.
Coding change: c.2023C>A on transcript NM_004260.4 (MANE Select); coding-DNA position 2023, C replaced by A.
Protein change: p.His675Asn; replaces histidine 675 with asparagine.
Molecular consequence: missense variant. On other transcripts: non-coding transcript variant (3).
Genome position (GRCh38, 1-based): chr8:144,513,963, G>T on the plus strand (C>A on the coding strand, the complement: RECQL4 is on the minus strand). VCF-style: chr8-144513963-G-T. GRCh37 (hg19) VCF-style: chr8-145739347-G-T.
Other names: c.1927C>A, p.His643Asn (NM_001413017.1, NM_001413020.1); c.2023C>A, p.His675Asn (NM_001413018.1, NM_001413019.1, NM_001413036.1); c.952C>A, p.His318Asn (NM_001413021.1, NM_001413022.1, NM_001413023.1 and 6 more transcripts); c.1894C>A, p.His632Asn (NM_001413025.1); c.886C>A, p.His296Asn (NM_001413027.1, NM_001413030.1, NM_001413032.1 and 1 more transcripts); c.1672C>A, p.His558Asn (NM_001413029.1); c.754C>A, p.His252Asn (NM_001413031.1); c.1891C>A, p.His631Asn (NM_001413033.1); and 4 more; short protein forms H665N, H186N, H296N, H308N, H558N, H274N, H643N, H675N.
Identifiers: ClinVar variation 5028105 (VCV005028105.1).
Genomic context (GRCh38, chr8:144,513,963, plus strand): 5'-GGGTCCCCAGAGCACACACACCCACCTGGTCTGTGTCCCTGTCCATGGACACGGAAAGGT[G>T]CAGGTTGGTGGGAACTGGGGCTGGCCCGTGGAGGTCAGGCTCTTCAGCCACAGCCAGGTG-3'
Protein context (NP_004251.4, residues 665-685): HGPAPVPTNL[His675Asn]LSVSMDRDTD